The following is an entry in ClinVar:

NM_002340.6(LSS):c.1740C>T (p.Ser580=)

Gene: LSS (lanosterol synthase; minus strand). Cytogenetic location: 21q22.3.
Variant type: single nucleotide variant.
Coding change: c.1740C>T on transcript NM_002340.6 (MANE Select); coding-DNA position 1740, C replaced by T.
Protein change: p.Ser580=; no amino-acid change (serine 580 retained).
Molecular consequence: synonymous variant.
Genome position (GRCh38, 1-based): chr21:46,195,753, G>A on the plus strand (C>T on the coding strand, the complement: LSS is on the minus strand). VCF-style: chr21-46195753-G-A. GRCh37 (hg19) VCF-style: chr21-47615667-G-A.
Other names: c.1707C>T, p.Ser569= (NM_001145436.2); c.1500C>T, p.Ser500= (NM_001145437.2); c.1740C>T, p.Ser580= (NM_001001438.3).
Identifiers: ClinVar variation 3039002 (VCV003039002.6), dbSNP rs149887225, ClinGen allele CA10074869.

ClinVar aggregate classification (germline): Likely benign. Review status: criteria provided, single submitter (1 of 4 stars). 2 submissions from 2 submitters: Likely benign (1). 1 of the submissions does not count toward it. Last evaluated 2026-03-01.

Conditions:
LSS-related disorder. Also called: LSS-related condition.

Allele frequency attached by ClinVar (database versions not stated): ESP Exome Variant Server 0.00008; gnomAD exomes 0.00013; gnomAD 0.00015; ExAC 0.00019; TOPMed 0.00019; 1000 Genomes Project 0.00020; 1000 Genomes Project 30x 0.00078.
gnomAD v4.1: 223 of 1,613,510 alleles (0.014%); highest among the groups gnomAD compares: Middle Eastern, 0.082%; no homozygotes.

Submissions (2):

CeGaT Center for Human Genetics Tuebingen
Classification: Likely benign. Last evaluated: 2026-03-01. Review status: criteria provided, single submitter. Criteria: CeGaT Center For Human Genetics Tuebingen Variant Classification Criteria Version 2. Collection method: clinical testing. Allele origin: germline. Affected: yes. Observed: 1 variant allele.
Comment: LSS: BP4, BP7

PreventionGenetics, part of Exact Sciences
Classification: Likely benign for LSS-related condition. Last evaluated: 2019-05-22. Review status: no assertion criteria provided. Collection method: clinical testing. Allele origin: germline. Not counted in ClinVar's aggregate classification.
Comment: This variant is classified as likely benign based on ACMG/AMP sequence variant interpretation guidelines (Richards et al. 2015 PMID: 25741868, with internal and published modifications).